The following is an entry in ClinVar:

NM_000054.7(AVPR2):c.739del (p.Arg247fs)

Gene: AVPR2 (arginine vasopressin receptor 2; plus strand). Cytogenetic location: Xq28.
Variant type: Deletion.
Coding change: c.739del on transcript NM_000054.7 (MANE Select); coding-DNA position 739, one base deleted (C; older notation c.739delC).
Protein change: p.Arg247fs; shifts the reading frame from arginine 247.
Molecular consequence: frameshift variant. On other transcripts: non-coding transcript variant (1).
Genome position (GRCh38, 1-based): chrX:153,906,245, C deleted. VCF-style (leftmost placement, unchanged base first): chrX-153906244-GC-G. GRCh37 (hg19) VCF-style: chrX-153171698-GC-G.
Other names: c.739del, p.Arg247fs (NM_001146151.3); short protein forms R247fs.
Identifiers: ClinVar variation 3383428 (VCV003383428.2).
Genomic context (GRCh38, chrX:153,906,244, plus strand): 5'-GCTCATCTTCCGGGAGATTCATGCCAGTCTGGTGCCAGGGCCATCAGAGAGGCCTGGGGG[GC>G]GCCGCAGGGGACGCCGGACAGGCAGCCCCGGTGAGGGAGCCCACGTGTCAGCAGCTGTGG-3'

ClinVar aggregate classification (germline): Likely pathogenic (1 of 4 stars; one submission).

Submission:

Centre of Medical Genetics, University Hospital Muenster
Classification: Likely pathogenic. Last evaluated: 2024-07-09. Review status: criteria provided, single submitter. Criteria: ACMG Guidelines, 2015. Collection method: clinical testing. Allele origin: unknown. Affected: yes. Observed: 1 variant allele.
Comment: ACMG categories: PVS1,PM2